The following is an entry in ClinVar:

NM_000632.4(ITGAM):c.141_142dup (p.Val48fs)

Genes: ITGAM (integrin subunit alpha M; plus strand), LOC126862331 (P300/CBP strongly-dependent group 1 enhancer GRCh37_chr16:31276375-31277574; plus strand). Cytogenetic location: 16p11.2.
Variant type: Duplication.
Coding change: c.141_142dup on transcript NM_000632.4 (MANE Select); coding-DNA positions 141 to 142, 2 bases duplicated (GG; older notation c.141_142dupGG).
Protein change: p.Val48fs; shifts the reading frame from valine 48.
Molecular consequence: frameshift variant.
Genome position (GRCh38, 1-based): chr16:31,265,401-31,265,402, GG duplicated. VCF-style (leftmost placement, unchanged base first): chr16-31265400-T-TGG. GRCh37 (hg19) VCF-style: chr16-31276721-T-TGG.
Other names: c.141_142dup, p.Val48fs (NM_001145808.2); short protein forms V48fs.
Identifiers: ClinVar variation 4768623 (VCV004768623.1).

ClinVar aggregate classification (germline): Uncertain significance (1 of 4 stars; one submission).

Submission:

Labcorp Genetics (formerly Invitae), Labcorp
Classification: Uncertain significance. Last evaluated: 2025-10-06. Review status: criteria provided, single submitter. Criteria: Invitae Variant Classification Sherloc (09022015). Collection method: clinical testing. Allele origin: germline.
Comment: This sequence change creates a premature translational stop signal (p.Val48Glyfs*8) in the ITGAM gene. It is expected to result in an absent or disrupted protein product. However, the current clinical and genetic evidence is not sufficient to establish whether loss-of-function variants in ITGAM cause disease. This variant is not present in population databases (gnomAD no frequency). This variant has not been reported in the literature in individuals affected with ITGAM-related conditions. In summary, the available evidence is currently insufficient to determine the role of this variant in disease. Therefore, it has been classified as a Variant of Uncertain Significance.